The following is an entry in ClinVar:

ClinVar aggregate classification (germline): Pathogenic (1 of 4 stars; one submission).

Conditions:
Hereditary breast ovarian cancer syndrome. Also called: Hereditary breast and ovarian cancer; BRCA1- and BRCA2-Associated Hereditary Breast and Ovarian Cancer; Hereditary breast and/or ovarian cancer syndrome; Hereditary breast and ovarian cancer syndrome; Hereditary breast and ovarian cancer syndrome (HBOC); Breast and ovarian cancer. Identifiers: Orphanet 145, MedGen C0677776, MeSH D061325, MONDO:0003582. Disease mechanism: loss of function.

Submission:

Labcorp Genetics (formerly Invitae), Labcorp
Classification: Pathogenic for Hereditary breast ovarian cancer syndrome. Last evaluated: 2021-01-14. Review status: criteria provided, single submitter. Criteria: Invitae Variant Classification Sherloc (09022015). Collection method: clinical testing. Allele origin: germline.
Comment: This variant is not present in population databases (ExAC no frequency). This sequence change creates a premature translational stop signal (p.Lys1944Asnfs*17) in the BRCA2 gene. It is expected to result in an absent or disrupted protein product. This variant has not been reported in the literature in individuals with BRCA2-related conditions. Loss-of-function variants in BRCA2 are known to be pathogenic (PMID: 20104584). For these reasons, this variant has been classified as Pathogenic.

Literature cited by the submitters: PubMed 20104584.

NM_000059.4(BRCA2):c.5832_5838del (p.Lys1944fs)

Gene: BRCA2 (BRCA2 DNA repair associated; plus strand). Cytogenetic location: 13q13.1.
Variant type: Deletion.
Coding change: c.5832_5838del on transcript NM_000059.4 (MANE Select); coding-DNA positions 5832 to 5838, 7 bases deleted (AATATCA; older notation c.5832_5838delAATATCA).
Protein change: p.Lys1944fs; shifts the reading frame from lysine 1944.
Molecular consequence: frameshift variant.
Genome position (GRCh38, 1-based): chr13:32,340,187-32,340,193, AATATCA deleted; deleting any 7 consecutive bases within chr13:32,340,186-32,340,193 gives the same sequence; the c. name uses the placement nearest the transcript's 3' end. VCF-style (leftmost placement, unchanged base first): chr13-32340185-AAAATATC-A. GRCh37 (hg19) VCF-style: chr13-32914322-AAAATATC-A.
Other names: short protein forms K1944fs.
Identifiers: ClinVar variation 960822 (VCV000960822.8), dbSNP rs2072539520, ClinGen allele CA1139663227.